The following is an entry in ClinVar:

ClinVar aggregate classification (germline): Uncertain significance (1 of 4 stars; one submission).

Conditions:
Hereditary cancer-predisposing syndrome. Also called: Neoplastic Syndromes, Hereditary; Tumor predisposition; Hereditary neoplastic syndrome; Hereditary Cancer Syndrome. Identifiers: Orphanet 140162, MedGen C0027672, MeSH D009386, MONDO:0015356.

Submission:

Ambry Genetics
Classification: Uncertain significance for Hereditary cancer-predisposing syndrome. Last evaluated: 2026-07-06. Review status: criteria provided, single submitter. Criteria: Ambry Variant Classification Scheme 2023. Collection method: clinical testing. Allele origin: germline.
Comment: The p.D114N variant (also known as c.340G>A), located in coding exon 2 of the TMEM127 gene, results from a G to A substitution at nucleotide position 340. The aspartic acid at codon 114 is replaced by asparagine, an amino acid with highly similar properties. This amino acid position is conserved. In addition, the in silico prediction for this alteration is inconclusive. Based on the available evidence, the clinical significance of this variant remains unclear.

NM_017849.4(TMEM127):c.340G>A (p.Asp114Asn)

Gene: TMEM127 (transmembrane protein 127; minus strand). Cytogenetic location: 2q11.2.
Variant type: single nucleotide variant.
Coding change: c.340G>A on transcript NM_017849.4 (MANE Select); coding-DNA position 340, G replaced by A.
Protein change: p.Asp114Asn; replaces aspartic acid 114 with asparagine.
Molecular consequence: missense variant.
Genome position (GRCh38, 1-based): chr2:96,254,902, C>T on the plus strand (G>A on the coding strand, the complement: TMEM127 is on the minus strand). VCF-style: chr2-96254902-C-T. GRCh37 (hg19) VCF-style: chr2-96920640-C-T.
Other names: c.340G>A, p.Asp114Asn (NM_001193304.3); c.88G>A, p.Asp30Asn (NM_001407282.1, NM_001407283.1); short protein forms D30N, D114N.
Identifiers: ClinVar variation 5030907 (VCV005030907.1).